The following is an entry in ClinVar:

ClinVar aggregate classification (germline): Pathogenic. Review status: criteria provided, single submitter (1 of 4 stars). 2 submissions from 2 submitters: Pathogenic (1). 1 of the submissions does not count toward it. Last evaluated 2022-12-04.

Conditions:
Severe intellectual disability-poor language-strabismus-grimacing face-long fingers syndrome (GAND). Also called: GAND SYNDROME. Identifiers: Orphanet 363686, MedGen C3554448, MONDO:0014034, OMIM 615074.

Submissions (2):

GeneDx
Classification: Pathogenic. Last evaluated: 2022-12-04. Review status: criteria provided, single submitter. Criteria: GeneDx Variant Classification Process June 2021. Collection method: clinical testing. Allele origin: germline. Affected: yes.
Comment: Nonsense variant predicted to result in protein truncation or nonsense mediated decay in a gene for which loss of function is a known mechanism of disease; Not observed at significant frequency in large population cohorts (gnomAD); This variant is associated with the following publications: (PMID: 27959697, 31949314)

Baylor Genetics
Classification: Pathogenic for Severe intellectual disability-poor language-strabismus-grimacing face-long fingers syndrome. Last evaluated: 2014-04-30. Review status: no assertion criteria provided. Collection method: clinical testing. Allele origin: de novo. Inheritance: Autosomal dominant inheritance. Affected: yes. Observed: 1 variant allele, 1 heterozygote. Not counted in ClinVar's aggregate classification.

NM_020699.4(GATAD2B):c.694C>T (p.Gln232Ter)

Gene: GATAD2B (GATA zinc finger domain containing 2B; minus strand). Cytogenetic location: 1q21.3.
Variant type: single nucleotide variant.
Coding change: c.694C>T on transcript NM_020699.4 (MANE Select); coding-DNA position 694, C replaced by T.
Protein change: p.Gln232Ter; replaces glutamine 232 with a stop codon.
Molecular consequence: nonsense.
Genome position (GRCh38, 1-based): chr1:153,818,075, G>A on the plus strand (C>T on the coding strand, the complement: GATAD2B is on the minus strand). VCF-style: chr1-153818075-G-A. GRCh37 (hg19) VCF-style: chr1-153790551-G-A.
Other names: short protein forms Q232*.
Identifiers: ClinVar variation 374387 (VCV000374387.3), dbSNP rs1057518674, ClinGen allele CA16043642.